The following is an entry in ClinVar:

ClinVar aggregate classification (germline): Uncertain significance (1 of 4 stars; one submission).

Conditions:
Epidermolysis bullosa simplex with nail dystrophy (EBS5D). Identifiers: MedGen C4225309, MONDO:0014661, OMIM 616487.
Epidermolysis bullosa simplex, Ogna type (EBS5A). Also called: EPIDERMOLYSIS BULLOSA SIMPLEX 5A, OGNA TYPE; Pidermolysis bullosa simplex 5A, Ogna type. Identifiers: Orphanet 79401, MedGen C0432317, MONDO:0007555, OMIM 131950.
Autosomal recessive limb-girdle muscular dystrophy type 2Q (LGMDR17). Also called: MUSCULAR DYSTROPHY, LIMB-GIRDLE, AUTOSOMAL RECESSIVE 17. Identifiers: Orphanet 254361, MedGen C3150989, MONDO:0013390, OMIM 613723.
Epidermolysis bullosa simplex 5B, with muscular dystrophy (EBS5B). Also called: EPIDERMOLYSIS BULLOSA SIMPLEX AND LIMB-GIRDLE MUSCULAR DYSTROPHY; Epidermolysis bullosa simplex with muscular dystrophy. Identifiers: Orphanet 257, MedGen C2931072, MONDO:0009181, OMIM 226670.
Epidermolysis bullosa simplex 5C, with pyloric atresia (EBS5C). Also called: PLEC-Related Epidermolysis Bullosa with Pyloric Atresia; Epidermolysis bullosa simplex with pyloric atresia; PLEC1-Related Epidermolysis Bullosa with Pyloric Atresia. Identifiers: Orphanet 158684, MedGen C2677349, MONDO:0012807, OMIM 612138.

Submission:

Labcorp Genetics (formerly Invitae), Labcorp
Classification: Uncertain significance for Autosomal recessive limb-girdle muscular dystrophy type 2Q; Epidermolysis bullosa simplex, Ogna type; Epidermolysis bullosa simplex with nail dystrophy; Epidermolysis bullosa simplex 5C, with pyloric atresia; Epidermolysis bullosa simplex 5B, with muscular dystrophy. Last evaluated: 2025-10-21. Review status: criteria provided, single submitter. Criteria: Invitae Variant Classification Sherloc (09022015). Collection method: clinical testing. Allele origin: germline.
Comment: This sequence change falls in intron 32 of the PLEC gene. It does not directly change the encoded amino acid sequence of the PLEC protein. It affects a nucleotide within the consensus splice site. This variant is present in population databases (rs782515308, gnomAD 0.004%). This variant has not been reported in the literature in individuals affected with PLEC-related conditions. Variants that disrupt the consensus splice site are a relatively common cause of aberrant splicing (PMID: 17576681, 9536098). Algorithms developed to predict the effect of sequence changes on RNA splicing suggest that this variant is not likely to affect RNA splicing. In summary, the available evidence is currently insufficient to determine the role of this variant in disease. Therefore, it has been classified as a Variant of Uncertain Significance.

Literature cited by the submitters: PubMed 17576681; PubMed 9536098.

NM_201384.3(PLEC):c.7425+6G>A

Gene: PLEC (plectin; minus strand). Cytogenetic location: 8q24.3.
Variant type: single nucleotide variant.
Coding change: c.7425+6G>A on transcript NM_201384.3 (MANE Select); 6 bases into the intron after coding-DNA position 7425, G replaced by A.
Molecular consequence: intron variant.
Genome position (GRCh38, 1-based): chr8:143,922,498, C>T on the plus strand (G>A on the coding strand, the complement: PLEC is on the minus strand). VCF-style: chr8-143922498-C-T. GRCh37 (hg19) VCF-style: chr8-144996666-C-T.
Other names: c.4126-103G>A (NM_001410941.1); c.7506+6G>A (NM_000445.5); c.7383+6G>A (NM_201378.4); c.7359+6G>A (NM_201379.3); c.7836+6G>A (NM_201380.4); c.7329+6G>A (NM_201381.3); c.7425+6G>A (NM_201382.4); c.7437+6G>A (NM_201383.3).
Identifiers: ClinVar variation 4789514 (VCV004789514.1).
Genomic context (GRCh38, chr8:143,922,498, plus strand): 5'-GCACCCATCACCCACCAAAGCAGATCCCCGGGCCCACCCGCCCGTCGCACGTAGAGGGGG[C>T]GGTACCTCCTCAGACTTGAGCTGCAGCAGTTTGGCCTCCTGTTGGAGCTTCTCCTTCTCA-3'